The following is an entry in ClinVar:

NM_007294.4(BRCA1):c.41T>G (p.Val14Gly)

Gene: BRCA1 (BRCA1 DNA repair associated; minus strand). Cytogenetic location: 17q21.31.
Variant type: single nucleotide variant.
Coding change: c.41T>G on transcript NM_007294.4 (MANE Select); coding-DNA position 41, T replaced by G.
Protein change: p.Val14Gly; replaces valine 14 with glycine.
Molecular consequence: missense variant. On other transcripts: 5 prime UTR variant (1), non-coding transcript variant (1).
Genome position (GRCh38, 1-based): chr17:43,124,056, A>C on the plus strand (T>G on the coding strand, the complement: BRCA1 is on the minus strand). VCF-style: chr17-43124056-A-C. GRCh37 (hg19) VCF-style: chr17-41276073-A-C.
Other names: c.-148T>G (NM_001407571.1, NM_001407853.1, NM_001407879.1 and 46 more transcripts); c.41T>G, p.Val14Gly (NM_001407581.1, NM_001407582.1, NM_001407583.1 and 193 more transcripts); c.-217T>G (NM_001407694.1, NM_001407724.1, NM_001407727.1 and 11 more transcripts); c.-221T>G (NM_001407695.1, NM_001408465.1); c.-362T>G (NM_001407696.1); c.-246T>G (NM_001407697.1, NM_001407846.1, NM_001407920.1); c.-47T>G (NM_001407698.1, NM_001407732.1, NM_001407736.1 and 23 more transcripts); c.-220T>G (NM_001407725.1, NM_001407730.1, NM_001407734.1 and 22 more transcripts); and 8 more; short protein forms V14G.
Identifiers: ClinVar variation 865033 (VCV000865033.3), dbSNP rs2055732014, ClinGen allele CA10602075.

Conditions:
Breast-ovarian cancer, familial, susceptibility to, 1 (BROVCA1). Also called: BRCA1 Hereditary Breast and Ovarian Cancer; OVARIAN CANCER, SUSCEPTIBILITY TO. Identifiers: Orphanet 145, MedGen C2676676, MONDO:0011450, OMIM 604370. Disease mechanism: loss of function.

Submission:

Brotman Baty Institute, University of Washington
No classification provided (evidence only). Condition: Breast-ovarian cancer, familial 1. Review status: no classification provided. Collection method: in vitro. Allele origin: not applicable. Functional consequence: functionally_abnormal.
ClinVar note: "not provided" was previously submitted as the classification for the variant. However, the classification appeared to be based only on an observation of functional data so it was converted to no classification on 2025-07-30.